The following is an entry in ClinVar:

ClinVar aggregate classification (germline): Uncertain significance (1 of 4 stars; one submission).

Conditions:
Cardiovascular phenotype. Identifiers: MedGen CN230736.

Allele frequency attached by ClinVar (database versions not stated): ExAC 0.00001; gnomAD 0.00001; TOPMed 0.00002.

Submission:

Ambry Genetics
Classification: Uncertain significance for Cardiovascular phenotype. Last evaluated: 2021-10-13. Review status: criteria provided, single submitter. Criteria: Ambry Variant Classification Scheme 2023. Collection method: clinical testing. Allele origin: germline.
Comment: The p.M4116I variant (also known as c.12348G>A), located in coding exon 21 of the ALMS1 gene, results from a G to A substitution at nucleotide position 12348. The methionine at codon 4116 is replaced by isoleucine, an amino acid with highly similar properties. This amino acid position is highly conserved in available vertebrate species. In addition, the in silico prediction for this alteration is inconclusive. Since supporting evidence is limited at this time, the clinical significance of this alteration remains unclear.

NM_001378454.1(ALMS1):c.12345G>A (p.Met4115Ile)

Gene: ALMS1 (ALMS1 centrosome and basal body associated protein; plus strand). Cytogenetic location: 2p13.1.
Variant type: single nucleotide variant.
Coding change: c.12345G>A on transcript NM_001378454.1 (MANE Select); coding-DNA position 12345, G replaced by A.
Protein change: p.Met4115Ile; replaces methionine 4115 with isoleucine.
Molecular consequence: missense variant.
Genome position (GRCh38, 1-based): chr2:73,603,287, G>A. VCF-style: chr2-73603287-G-A. GRCh37 (hg19) VCF-style: chr2-73830414-G-A.
Other names: c.12348G>A, p.Met4116Ile (NM_015120.4); short protein forms M4116I, M4115I.
Identifiers: ClinVar variation 1756333 (VCV001756333.2), dbSNP rs766167642, ClinGen allele CA1715532.